The following is an entry in ClinVar:

ClinVar aggregate classification (germline): Pathogenic (1 of 4 stars; one submission).

Submission:

Labcorp Genetics (formerly Invitae), Labcorp
Classification: Pathogenic. Last evaluated: 2024-04-17. Review status: criteria provided, single submitter. Criteria: Invitae Variant Classification Sherloc (09022015). Collection method: clinical testing. Allele origin: germline.
Comment: This sequence change creates a premature translational stop signal (p.Tyr154*) in the YWHAG gene. While this is not anticipated to result in nonsense mediated decay, it is expected to disrupt the last 94 amino acid(s) of the YWHAG protein. This variant is not present in population databases (gnomAD no frequency). This variant has not been reported in the literature in individuals affected with YWHAG-related conditions. ClinVar contains an entry for this variant (Variation ID: 2088488). This variant disrupts a region of the YWHAG protein in which other variant(s) (p.Ala193Serfs*17) have been determined to be pathogenic (Invitae). This suggests that this is a clinically significant region of the protein, and that variants that disrupt it are likely to be disease-causing. For these reasons, this variant has been classified as Pathogenic.

NM_012479.4(YWHAG):c.462C>G (p.Tyr154Ter)

Gene: YWHAG (tyrosine 3-monooxygenase/tryptophan 5-monooxygenase activation protein gamma; minus strand). Cytogenetic location: 7q11.23.
Variant type: single nucleotide variant.
Coding change: c.462C>G on transcript NM_012479.4 (MANE Select); coding-DNA position 462, C replaced by G.
Protein change: p.Tyr154Ter; replaces tyrosine 154 with a stop codon.
Molecular consequence: nonsense.
Genome position (GRCh38, 1-based): chr7:76,329,859, G>C on the plus strand (C>G on the coding strand, the complement: YWHAG is on the minus strand). VCF-style: chr7-76329859-G-C. GRCh37 (hg19) VCF-style: chr7-75959176-G-C.
Other names: short protein forms Y154*.
Identifiers: ClinVar variation 2088488 (VCV002088488.4), dbSNP rs2536180897, ClinGen allele CA367777081.